The following is an entry in ClinVar:

ClinVar aggregate classification (germline): Uncertain significance. Review status: criteria provided, single submitter (1 of 4 stars). 2 submissions from 2 submitters: Uncertain significance (1). 1 of the submissions does not count toward it. Last evaluated 2022-12-15.

Conditions:
Inborn genetic diseases. Identifiers: MedGen C0950123, MeSH D030342.
ALDOB-related disorder. Also called: ALDOB-related condition.

Allele frequency attached by ClinVar (database versions not stated): gnomAD 0.00001; ExAC 0.00002; TOPMed 0.00002.
gnomAD v4.1: 24 of 1,613,994 alleles (0.0015%); highest among the groups gnomAD compares: African/African-American, 0.0027%; no homozygotes.

Submissions (2):

Ambry Genetics
Classification: Uncertain significance for Inborn genetic diseases. Last evaluated: 2022-12-15. Review status: criteria provided, single submitter. Criteria: Ambry Variant Classification Scheme 2023. Collection method: clinical testing. Allele origin: germline.

PreventionGenetics, part of Exact Sciences
Classification: Uncertain significance for ALDOB-related condition. Last evaluated: 2023-11-22. Review status: no assertion criteria provided. Collection method: clinical testing. Allele origin: germline. Not counted in ClinVar's aggregate classification.
Comment: The ALDOB c.223G>A variant is predicted to result in the amino acid substitution p.Gly75Arg. To our knowledge, this variant has not been reported in the literature. This variant is reported in 0.0040% of alleles in individuals of African descent in gnomAD. At this time, the clinical significance of this variant is uncertain due to the absence of conclusive functional and genetic evidence.

NM_000035.4(ALDOB):c.223G>A (p.Gly75Arg)

Gene: ALDOB (aldolase, fructose-bisphosphate B; minus strand). Cytogenetic location: 9q31.1.
Variant type: single nucleotide variant.
Coding change: c.223G>A on transcript NM_000035.4 (MANE Select); coding-DNA position 223, G replaced by A.
Protein change: p.Gly75Arg; replaces glycine 75 with arginine.
Molecular consequence: missense variant.
Genome position (GRCh38, 1-based): chr9:101,429,856, C>T on the plus strand (G>A on the coding strand, the complement: ALDOB is on the minus strand). VCF-style: chr9-101429856-C-T. GRCh37 (hg19) VCF-style: chr9-104192138-C-T.
Other names: short protein forms G75R.
Identifiers: ClinVar variation 2335887 (VCV002335887.4), dbSNP rs747604233, ClinGen allele CA5161695.